The following is an entry in ClinVar:

NM_006312.6(NCOR2):c.9A>C (p.Gly3=)

Gene: NCOR2 (nuclear receptor corepressor 2; minus strand). Cytogenetic location: 12q24.31.
Variant type: single nucleotide variant.
Coding change: c.9A>C on transcript NM_006312.6 (MANE Select); coding-DNA position 9, A replaced by C.
Protein change: p.Gly3=; no amino-acid change (glycine 3 retained).
Molecular consequence: synonymous variant.
Genome position (GRCh38, 1-based): chr12:124,495,243, T>G on the plus strand (A>C on the coding strand, the complement: NCOR2 is on the minus strand). VCF-style: chr12-124495243-T-G. GRCh37 (hg19) VCF-style: chr12-124979789-T-G.
Other names: c.9A>C, p.Gly3= (NM_001077261.4, NM_001206654.2).
Identifiers: ClinVar variation 3059626 (VCV003059626.2), dbSNP rs872225, ClinGen allele CA6870075.

ClinVar aggregate classification (germline): Benign (0 of 4 stars; one submission).

Conditions:
NCOR2-related disorder. Also called: NCOR2-related condition.

Allele frequency attached by ClinVar (database versions not stated): 1000 Genomes Project 0.12660; 1000 Genomes Project 30x 0.12680; TOPMed 0.13263; ESP Exome Variant Server 0.13656; gnomAD 0.13944; ExAC 0.16804; gnomAD exomes 0.17203.
gnomAD v4.1: 272,052 of 1,612,198 alleles (17%); highest among the groups gnomAD compares: East Asian, 20%; 23,694 homozygotes.

Submission:

PreventionGenetics, part of Exact Sciences
Classification: Benign for NCOR2-related condition. Last evaluated: 2019-10-21. Review status: no assertion criteria provided. Collection method: clinical testing. Allele origin: germline.
Comment: This variant is classified as benign based on ACMG/AMP sequence variant interpretation guidelines (Richards et al. 2015 PMID: 25741868, with internal and published modifications).